The following is an entry in ClinVar:

NM_198253.3(TERT):c.1349A>G (p.Gln450Arg)

Gene: TERT (telomerase reverse transcriptase; minus strand). Cytogenetic location: 5p15.33.
Variant type: single nucleotide variant.
Coding change: c.1349A>G on transcript NM_198253.3 (MANE Select); coding-DNA position 1349, A replaced by G.
Protein change: p.Gln450Arg; replaces glutamine 450 with arginine.
Molecular consequence: missense variant. On other transcripts: non-coding transcript variant (2).
Genome position (GRCh38, 1-based): chr5:1,293,537, T>C on the plus strand (A>G on the coding strand, the complement: TERT is on the minus strand). VCF-style: chr5-1293537-T-C. GRCh37 (hg19) VCF-style: chr5-1293652-T-C.
Other names: c.1349A>G, p.Gln450Arg (NM_001193376.3); c.1349A>G (NM_198253.2); short protein forms Q450R.
Identifiers: ClinVar variation 1374940 (VCV001374940.6), dbSNP rs1751132215, ClinGen allele CA359086072.

ClinVar aggregate classification (germline): Uncertain significance. Review status: criteria provided, multiple submitters, no conflicts (2 of 4 stars). 2 submissions from 2 submitters: Uncertain significance (2). Last evaluated 2024-03-02.

Conditions:
Idiopathic Pulmonary Fibrosis. Also called: Idiopathic fibrosing alveolitis, chronic form; idiopathic fibrosing alveolitis. Identifiers: Orphanet 2032, MedGen C1800706, MeSH D054990, MONDO:0800504.
Dyskeratosis congenita, autosomal dominant 2. Identifiers: MedGen C3151443, MONDO:0013521, OMIM 613989.
Dyskeratosis congenita. Identifiers: Orphanet 1775, MedGen C0265965, MONDO:0015780.

Allele frequency attached by ClinVar (database versions not stated): TOPMed below 0.00001; gnomAD 0.00001.
gnomAD v4.1: 1 of 1,553,834 alleles (0.000064%); highest among the groups gnomAD compares: Admixed American, 0.0019%; no homozygotes.

Submissions (2):

Ambry Genetics
Classification: Uncertain significance for Dyskeratosis congenita. Last evaluated: 2024-03-02. Review status: criteria provided, single submitter. Criteria: Ambry Variant Classification Scheme 2023. Collection method: clinical testing. Allele origin: germline.
Comment: The p.Q450R variant (also known as c.1349A>G), located in coding exon 2 of the TERT gene, results from an A to G substitution at nucleotide position 1349. The glutamine at codon 450 is replaced by arginine, an amino acid with highly similar properties. This amino acid position is conserved. In addition, this alteration is predicted to be tolerated by in silico analysis. Based on the available evidence, the clinical significance of this alteration remains unclear.

Labcorp Genetics (formerly Invitae), Labcorp
Classification: Uncertain significance for Dyskeratosis congenita, autosomal dominant 2; Idiopathic Pulmonary Fibrosis. Last evaluated: 2021-08-14. Review status: criteria provided, single submitter. Criteria: Invitae Variant Classification Sherloc (09022015). Collection method: clinical testing. Allele origin: germline.
Comment: This sequence change replaces glutamine with arginine at codon 450 of the TERT protein (p.Gln450Arg). The glutamine residue is weakly conserved and there is a small physicochemical difference between glutamine and arginine. The frequency data for this variant in the population databases is considered unreliable, as metrics indicate insufficient coverage at this position in the ExAC database. This variant has not been reported in the literature in individuals affected with TERT-related conditions. Advanced modeling of protein sequence and biophysical properties (such as structural, functional, and spatial information, amino acid conservation, physicochemical variation, residue mobility, and thermodynamic stability) performed at Invitae indicates that this missense variant is not expected to disrupt TERT protein function. In summary, the available evidence is currently insufficient to determine the role of this variant in disease. Therefore, it has been classified as a Variant of Uncertain Significance.